The following is an entry in ClinVar:

NM_005618.4(DLL1):c.860A>G (p.Gln287Arg)

Gene: DLL1 (delta like canonical Notch ligand 1; minus strand). Cytogenetic location: 6q27.
Variant type: single nucleotide variant.
Coding change: c.860A>G on transcript NM_005618.4 (MANE Select); coding-DNA position 860, A replaced by G.
Protein change: p.Gln287Arg; replaces glutamine 287 with arginine.
Molecular consequence: missense variant.
Genome position (GRCh38, 1-based): chr6:170,285,571, T>C on the plus strand (A>G on the coding strand, the complement: DLL1 is on the minus strand). VCF-style: chr6-170285571-T-C. GRCh37 (hg19) VCF-style: chr6-170594659-T-C.
Other names: short protein forms Q287R.
Identifiers: ClinVar variation 1806596 (VCV001806596.1), dbSNP rs1783680222, ClinGen allele CA366508581.

ClinVar aggregate classification (germline): Uncertain significance (1 of 4 stars; one submission).

Allele frequency attached by ClinVar (database versions not stated): TOPMed below 0.00001.

Submission:

GeneDx
Classification: Uncertain significance. Last evaluated: 2022-06-23. Review status: criteria provided, single submitter. Criteria: GeneDx Variant Classification Process June 2021. Collection method: clinical testing. Allele origin: germline. Affected: yes.
Comment: Not observed at significant frequency in large population cohorts (gnomAD); In silico analysis supports that this missense variant has a deleterious effect on protein structure/function; Has not been previously published as pathogenic or benign to our knowledge